The following is an entry in ClinVar:

ClinVar aggregate classification (germline): Pathogenic (1 of 4 stars; one submission).

Conditions:
Retinoblastoma (RB1). Also called: RETINOBLASTOMA, SOMATIC. Identifiers: Orphanet 790, MedGen C0035335, MeSH D012175, MONDO:0008380, OMIM 180200, HP:0009919. Disease mechanism: loss of function. Inheritance: Both sporadic and heritable forms are tested..

Submission:

St. Jude Molecular Pathology, St. Jude Children's Research Hospital
Classification: Pathogenic for Retinoblastoma. Last evaluated: 2026-10-01. Review status: criteria provided, single submitter. Criteria: St. Jude Assertion Criteria 2020. Collection method: clinical testing. Allele origin: germline.
Comment: The RB1 c.1390-1G>A intronic change results in a G to A substitution at the -1 position of intron 14 of the RB1 gene. This variant is pr edicted to result in aberrant splicing, resulting in nonsense-mediated decay or an abnormal protein product. This variant is also absent in gnomAD v2.1.1 (.). In summary, this variant meets criteria to be classified as pathogenic.

NM_000321.3(RB1):c.1390-1G>A

Gene: RB1 (RB transcriptional corepressor 1; plus strand). Cytogenetic location: 13q14.2.
Variant type: single nucleotide variant.
Coding change: c.1390-1G>A on transcript NM_000321.3 (MANE Select); the canonical splice acceptor site of the intron before coding-DNA position 1390, G replaced by A.
Molecular consequence: splice acceptor variant.
Genome position (GRCh38, 1-based): chr13:48,380,052, G>A. VCF-style: chr13-48380052-G-A. GRCh37 (hg19) VCF-style: chr13-48954188-G-A.
Other names: c.1390-1G>A (NM_001407165.1, NM_001407166.1).
Identifiers: ClinVar variation 5038414 (VCV005038414.1).